The following is an entry in ClinVar:

ClinVar aggregate classification (germline): Benign/Likely benign. Review status: criteria provided, multiple submitters, no conflicts (2 of 4 stars). 7 submissions from 7 submitters: Benign (5); Likely benign (1). 1 of the submissions does not count toward it. Last evaluated 2026-02-04.

Conditions:
Becker muscular dystrophy (BMD). Also called: MUSCULAR DYSTROPHY, PSEUDOHYPERTROPHIC PROGRESSIVE, BECKER TYPE; Becker Muscular Dystrophy (BMD). Identifiers: Orphanet 98895, MedGen C0917713, MONDO:0010311, OMIM 300376.
Duchenne muscular dystrophy (DMD). Also called: Duchenne Muscular Dystrophy (DMD); MUSCULAR DYSTROPHY, PSEUDOHYPERTROPHIC PROGRESSIVE, DUCHENNE TYPE. Identifiers: Orphanet 98896, MedGen C0013264, MONDO:0010679, OMIM 310200.
Cardiomyopathy (CMYO). Also called: Cardiomyopathies. Identifiers: Orphanet 167848, MedGen C0878544, MONDO:0004994, HP:0001638. Inheritance: Various modes of inheritance.
Dystrophin deficiency.

Allele frequency attached by ClinVar (database versions not stated): gnomAD exomes 0.00083; ExAC 0.00113; 1000 Genomes Project 30x 0.00208; 1000 Genomes Project 0.00238; gnomAD 0.00304 and 0.00329; TOPMed 0.00359; ESP Exome Variant Server 0.00360.
gnomAD v4.1: 695 of 1,074,520 alleles (0.065%); highest among the groups gnomAD compares: African/African-American, 1.1%; 2 homozygotes.

Submissions (7):

Labcorp Genetics (formerly Invitae), Labcorp
Classification: Benign for Duchenne muscular dystrophy. Last evaluated: 2026-02-04. Review status: criteria provided, single submitter. Criteria: Invitae Variant Classification Sherloc (09022015). Collection method: clinical testing. Allele origin: germline.

Blueprint Genetics
Classification: Likely benign. Last evaluated: 2024-11-28. Review status: criteria provided, single submitter. Criteria: ACMG Guidelines, 2015. Collection method: clinical testing. Allele origin: germline.

ARUP Laboratories, Molecular Genetics and Genomics, ARUP Laboratories
Classification: Benign. Last evaluated: 2024-06-21. Review status: criteria provided, single submitter. Criteria: ARUP Molecular Germline Variant Investigation Process 2024. Collection method: clinical testing. Allele origin: germline.

Women's Health and Genetics/Laboratory Corporation of America, LabCorp
Classification: Benign. Last evaluated: 2023-07-30. Review status: criteria provided, single submitter. Criteria: LabCorp Variant Classification Summary - May 2015. Collection method: clinical testing. Allele origin: germline.

Eurofins Ntd Llc (ga)
Classification: Benign. Last evaluated: 2016-04-04. Review status: criteria provided, single submitter. Criteria: EGL Classification Definitions 2015. Collection method: clinical testing. Allele origin: germline. Observed: 3 variant alleles, 1 heterozygote, 2 hemizygotes.

GeneDx
Classification: Benign. Last evaluated: 2014-09-04. Review status: criteria provided, single submitter. Criteria: GeneDx Variant Classification (06012015). Collection method: clinical testing. Allele origin: germline. Affected: yes.
Comment: This variant is considered likely benign or benign based on one or more of the following criteria: it is a conservative change, it occurs at a poorly conserved position in the protein, it is predicted to be benign by multiple in silico algorithms, and/or has population frequency not consistent with disease.

Natera, Inc.
Classification: Benign for Becker muscular dystrophy; Cardiomyopathy; Duchenne muscular dystrophy; Dystrophin deficiency. Last evaluated: 2018-04-10. Review status: no assertion criteria provided. Collection method: clinical testing. Allele origin: germline. Not counted in ClinVar's aggregate classification.

NM_004006.3(DMD):c.3276+17A>T

Gene: DMD (dystrophin; minus strand). Cytogenetic location: Xp21.1.
Variant type: single nucleotide variant.
Coding change: c.3276+17A>T on transcript NM_004006.3 (MANE Select); 17 bases into the intron after coding-DNA position 3276, A replaced by T.
Molecular consequence: intron variant.
Genome position (GRCh38, 1-based): chrX:32,464,569, T>A on the plus strand (A>T on the coding strand, the complement: DMD is on the minus strand). VCF-style: chrX-32464569-T-A. GRCh37 (hg19) VCF-style: chrX-32482686-T-A.
Other names: c.3252+17A>T (NM_000109.4); c.3264+17A>T (NM_004009.3); c.2907+17A>T (NM_004010.3).
Identifiers: ClinVar variation 94582 (VCV000094582.16), dbSNP rs184220727, ClinGen allele CA285553.